The following is an entry in ClinVar:

ClinVar aggregate classification (germline): Uncertain significance. Review status: criteria provided, multiple submitters, no conflicts (2 of 4 stars). 2 submissions from 2 submitters: Uncertain significance (2). Last evaluated 2025-04-16.

Conditions:
Autosomal dominant osteopetrosis 1 (OPTA1). Also called: OSTEOPETROSIS, AUTOSOMAL DOMINANT, TYPE I. Identifiers: Orphanet 2783, MedGen C1843330, MONDO:0011877, OMIM 607634.
Polycystic liver disease 4 with or without kidney cysts. Identifiers: MedGen C4693479, MONDO:0044327, OMIM 617875.
Exudative vitreoretinopathy 4 (EVR4). Identifiers: Orphanet 891, MedGen C1866176, MONDO:0011151, OMIM 601813.
Osteoporosis with pseudoglioma (OPPG). Also called: osteoporosis-pseudoglioma syndrome. Identifiers: Orphanet 2788, MedGen C0432252, MONDO:0009820, OMIM 259770.
Bone mineral density quantitative trait locus 1 (BMND1). Identifiers: MedGen C1866079, OMIM 601884.
Worth disease. Also called: Autosomal dominant osteosclerosis, Worth type; ENDOSTEAL HYPEROSTOSIS, AUTOSOMAL DOMINANT; OSTEOSCLEROSIS, AUTOSOMAL DOMINANT. Identifiers: Orphanet 2790, MedGen C0432273, MONDO:0007764, OMIM 144750.

Allele frequency attached by ClinVar (database versions not stated): gnomAD 0.00001; gnomAD exomes 0.00001; TOPMed 0.00001; ExAC 0.00002.

Submissions (2):

Labcorp Genetics (formerly Invitae), Labcorp
Classification: Uncertain significance. Last evaluated: 2025-04-16. Review status: criteria provided, single submitter. Criteria: Invitae Variant Classification Sherloc (09022015). Collection method: clinical testing. Allele origin: germline.
Comment: This sequence change replaces arginine, which is basic and polar, with tryptophan, which is neutral and slightly polar, at codon 538 of the LRP5 protein (p.Arg538Trp). This variant is present in population databases (rs770292689, gnomAD 0.006%). This missense change has been observed in individual(s) with autosomal dominant familial exudative vitreoretinopathy and/or autosomal recessive familial exudative vitreoretinopathy (PMID: 35277167, 36729443). In at least one individual the data is consistent with being in trans (on the opposite chromosome) from a pathogenic variant. ClinVar contains an entry for this variant (Variation ID: 1515934). Invitae Evidence Modeling of protein sequence and biophysical properties (such as structural, functional, and spatial information, amino acid conservation, physicochemical variation, residue mobility, and thermodynamic stability) has been performed for this missense variant. However, the output from this modeling did not meet the statistical confidence thresholds required to predict the impact of this variant on LRP5 protein function. In summary, the available evidence is currently insufficient to determine the role of this variant in disease. Therefore, it has been classified as a Variant of Uncertain Significance.

Fulgent Genetics
Classification: Uncertain significance for Worth disease; Osteoporosis with pseudoglioma; Exudative vitreoretinopathy 4; Bone mineral density quantitative trait locus 1; Autosomal dominant osteopetrosis 1; Polycystic liver disease 4 with or without kidney cysts. Last evaluated: 2024-04-10. Review status: criteria provided, single submitter. Criteria: ACMG Guidelines, 2015. Collection method: clinical testing. Allele origin: germline.

Literature cited by the submitters: PubMed 35277167 (cited by Labcorp Genetics (formerly Invitae), Labcorp); PubMed 36729443 (cited by Labcorp Genetics (formerly Invitae), Labcorp).

NM_002335.4(LRP5):c.1612C>T (p.Arg538Trp)

Gene: LRP5 (LDL receptor related protein 5; plus strand). Cytogenetic location: 11q13.2.
Variant type: single nucleotide variant.
Coding change: c.1612C>T on transcript NM_002335.4 (MANE Select); coding-DNA position 1612, C replaced by T.
Protein change: p.Arg538Trp; replaces arginine 538 with tryptophan.
Molecular consequence: missense variant. On other transcripts: 5 prime UTR variant (1).
Genome position (GRCh38, 1-based): chr11:68,403,510, C>T. VCF-style: chr11-68403510-C-T. GRCh37 (hg19) VCF-style: chr11-68170978-C-T.
Other names: c.-326C>T (NM_001291902.2); short protein forms R538W.
Identifiers: ClinVar variation 1515934 (VCV001515934.9), dbSNP rs770292689, ClinGen allele CA6149389.